The following is an entry in ClinVar:

ClinVar aggregate classification (germline): not provided (0 of 4 stars; one submission).

Submission:

ITMI
No classification provided. Condition: AllHighlyPenetrant. Last evaluated: 2013-09-19. Review status: no classification provided. Collection method: reference population. Allele origin: germline.
Comment: Please see associated publication for description of ethnicities

Literature cited by the submitters: PubMed 24728327.

NM_003820.4(TNFRSF14):c.305-59_305-57delinsACT

Gene: TNFRSF14 (TNF receptor superfamily member 14; plus strand). Cytogenetic location: 1p36.32.
Variant type: Indel.
Coding change: c.305-59_305-57delinsACT on transcript NM_003820.4 (MANE Select); 59 bases into the intron before coding-DNA position 305 through 57 bases into the intron before coding-DNA position 305, CCC replaced by ACT.
Molecular consequence: intron variant.
Genome position (GRCh38, 1-based): chr1:2,559,764-2,559,766, CCC replaced by ACT. VCF-style: chr1-2559764-CCC-ACT. GRCh37 (hg19) VCF-style: chr1-2491203-CCC-ACT.
Other names: c.305-59_305-57delinsACT (NM_001297605.2).
Identifiers: ClinVar variation 133415 (VCV000133415.1), dbSNP rs587777998, ClinGen allele CA156507.